The following is an entry in ClinVar:

NM_001955.5(EDN1):c.119C>A (p.Thr40Asn)

Gene: EDN1 (endothelin 1; plus strand). Cytogenetic location: 6p24.1.
Variant type: single nucleotide variant.
Coding change: c.119C>A on transcript NM_001955.5 (MANE Select); coding-DNA position 119, C replaced by A.
Protein change: p.Thr40Asn; replaces threonine 40 with asparagine.
Molecular consequence: missense variant.
Genome position (GRCh38, 1-based): chr6:12,292,395, C>A. VCF-style: chr6-12292395-C-A. GRCh37 (hg19) VCF-style: chr6-12292628-C-A.
Other names: c.116C>A, p.Thr39Asn (NM_001168319.2); c.119C>A, p.Thr40Asn (NM_001416563.1, NM_001416564.1, NM_001416565.1); short protein forms T39N, T40N.
Identifiers: ClinVar variation 3356188 (VCV003356188.1).

ClinVar aggregate classification (germline): Uncertain significance (0 of 4 stars; one submission).

Conditions:
EDN1-related disorder. Also called: EDN1-related condition.

gnomAD v4.1: 150 of 1,613,930 alleles (0.0093%); highest among the groups gnomAD compares: Non-Finnish European, 0.012%; no homozygotes.

Submission:

PreventionGenetics, part of Exact Sciences
Classification: Uncertain significance for EDN1-related condition. Last evaluated: 2024-09-07. Review status: no assertion criteria provided. Collection method: clinical testing. Allele origin: germline.
Comment: The EDN1 c.119C>A variant is predicted to result in the amino acid substitution p.Thr40Asn. To our knowledge, this variant has not been reported in the literature. This variant is reported in 0.012% of alleles in individuals of European (Non-Finnish) descent in gnomAD. At this time, the clinical significance of this variant is uncertain due to the absence of conclusive functional and genetic evidence.